The following is an entry in ClinVar:

ClinVar aggregate classification (germline): Uncertain significance (1 of 4 stars; one submission).

gnomAD v4.1: 2 of 1,614,034 alleles (0.00012%); highest among the groups gnomAD compares: East Asian, 0.0045%; no homozygotes.

Submission:

GeneDx
Classification: Uncertain significance. Last evaluated: 2022-12-09. Review status: criteria provided, single submitter. Criteria: GeneDx Variant Classification Process June 2021. Collection method: clinical testing. Allele origin: germline. Affected: yes.
Comment: In silico analysis supports that this missense variant does not alter protein structure/function; Has not been previously published as pathogenic or benign to our knowledge

NM_030665.4(RAI1):c.4859C>G (p.Ala1620Gly)

Gene: RAI1 (retinoic acid induced 1; plus strand). Cytogenetic location: 17p11.2.
Variant type: single nucleotide variant.
Coding change: c.4859C>G on transcript NM_030665.4 (MANE Select); coding-DNA position 4859, C replaced by G.
Protein change: p.Ala1620Gly; replaces alanine 1620 with glycine.
Molecular consequence: missense variant.
Genome position (GRCh38, 1-based): chr17:17,797,807, C>G. VCF-style: chr17-17797807-C-G. GRCh37 (hg19) VCF-style: chr17-17701121-C-G.
Other names: short protein forms A1620G.
Identifiers: ClinVar variation 2504834 (VCV002504834.1), dbSNP rs755954506, ClinGen allele CA398557780.